The following is an entry in ClinVar:

NM_001101362.3(KBTBD13):c.178G>C (p.Ala60Pro)

Gene: KBTBD13 (kelch repeat and BTB domain containing 13; plus strand). Cytogenetic location: 15q22.31.
Variant type: single nucleotide variant.
Coding change: c.178G>C on transcript NM_001101362.3 (MANE Select); coding-DNA position 178, G replaced by C.
Protein change: p.Ala60Pro; replaces alanine 60 with proline.
Molecular consequence: missense variant.
Genome position (GRCh38, 1-based): chr15:65,076,993, G>C. VCF-style: chr15-65076993-G-C. GRCh37 (hg19) VCF-style: chr15-65369331-G-C.
Other names: short protein forms A60P.
Identifiers: ClinVar variation 2144338 (VCV002144338.4), dbSNP rs780568299, ClinGen allele CA7613891.

ClinVar aggregate classification (germline): Uncertain significance (1 of 4 stars; one submission).

Conditions:
Nemaline myopathy 6 (NEM6). Also called: Nemaline myopathy 6, autosomal dominant. Identifiers: Orphanet 171439, MedGen C1836472, MONDO:0012237, OMIM 609273.

Allele frequency attached by ClinVar (database versions not stated): gnomAD 0.00003; TOPMed 0.00003; ExAC 0.00008.
gnomAD v4.1: 7 of 1,534,090 alleles (0.00046%); highest among the groups gnomAD compares: African/African-American, 0.0083%; no homozygotes.

Submission:

Labcorp Genetics (formerly Invitae), Labcorp
Classification: Uncertain significance for Nemaline myopathy 6. Last evaluated: 2022-06-20. Review status: criteria provided, single submitter. Criteria: Invitae Variant Classification Sherloc (09022015). Collection method: clinical testing. Allele origin: germline.
Comment: This variant has not been reported in the literature in individuals affected with KBTBD13-related conditions. Algorithms developed to predict the effect of missense changes on protein structure and function (SIFT, PolyPhen-2, Align-GVGD) all suggest that this variant is likely to be tolerated. In summary, the available evidence is currently insufficient to determine the role of this variant in disease. Therefore, it has been classified as a Variant of Uncertain Significance. This sequence change replaces alanine, which is neutral and non-polar, with proline, which is neutral and non-polar, at codon 60 of the KBTBD13 protein (p.Ala60Pro). The frequency data for this variant in the population databases is considered unreliable, as metrics indicate poor data quality at this position in the gnomAD database.